The following is an entry in ClinVar:

NM_024867.4(SPEF2):c.1795C>T (p.Gln599Ter)

Gene: SPEF2 (sperm flagellar 2; plus strand). Cytogenetic location: 5p13.2.
Variant type: single nucleotide variant.
Coding change: c.1795C>T on transcript NM_024867.4 (MANE Select); coding-DNA position 1795, C replaced by T.
Protein change: p.Gln599Ter; replaces glutamine 599 with a stop codon.
Molecular consequence: nonsense.
Genome position (GRCh38, 1-based): chr5:35,692,620, C>T. VCF-style: chr5-35692620-C-T. GRCh37 (hg19) VCF-style: chr5-35692722-C-T.
Other names: short protein forms Q599*.
Identifiers: ClinVar variation 3034024 (VCV003034024.2), dbSNP rs1754689321, ClinGen allele CA359426172.
Genomic context (GRCh38, chr5:35,692,620, plus strand): 5'-TGTACTTTAGACTTTCCTATACAGATACTTTCTATTGACACTCTTGTCCAAGAAGCTATC[C>T]AAGCATTTCATGACAATGAAAAAGTCAGTGAGGTTCTACCAATTCAGAAAAATGATGAAG-3'

ClinVar aggregate classification (germline): Likely pathogenic (0 of 4 stars; one submission).

Conditions:
SPEF2-related disorder. Also called: SPEF2-related condition.

gnomAD v4.1: 1 of 1,613,334 alleles (0.000062%); no homozygotes.

Submission:

PreventionGenetics, part of Exact Sciences
Classification: Likely pathogenic for SPEF2-related condition. Last evaluated: 2024-05-02. Review status: no assertion criteria provided. Collection method: clinical testing. Allele origin: germline.
Comment: The SPEF2 c.1795C>T variant is predicted to result in premature protein termination (p.Gln599*). To our knowledge, this variant has not been reported in the literature or in a large population database, indicating this variant is rare. Nonsense variants in SPEF2 are expected to be pathogenic. This variant is interpreted as likely pathogenic.